The following is an entry in ClinVar:

NM_144992.5(VWA3B):c.665G>A (p.Arg222His)

Gene: VWA3B (von Willebrand factor A domain containing 3B; plus strand). Cytogenetic location: 2q11.2.
Variant type: single nucleotide variant.
Coding change: c.665G>A on transcript NM_144992.5 (MANE Select); coding-DNA position 665, G replaced by A.
Protein change: p.Arg222His; replaces arginine 222 with histidine.
Molecular consequence: missense variant. On other transcripts: non-coding transcript variant (3).
Genome position (GRCh38, 1-based): chr2:98,121,421, G>A. VCF-style: chr2-98121421-G-A. GRCh37 (hg19) VCF-style: chr2-98737884-G-A.
Other names: short protein forms R222H.
Identifiers: ClinVar variation 788957 (VCV000788957.31), dbSNP rs144102300, ClinGen allele CA1792278.

ClinVar aggregate classification (germline): Benign/Likely benign. Review status: criteria provided, multiple submitters, no conflicts (2 of 4 stars). 5 submissions from 5 submitters: Benign (2); Likely benign (2). 1 of the submissions does not count toward it. Last evaluated 2024-11-21.

Conditions:
VWA3B-related disorder. Also called: VWA3B-related condition.

Allele frequency attached by ClinVar (database versions not stated): TOPMed 0.00247; 1000 Genomes Project 0.00280; gnomAD 0.00283 and 0.00286; gnomAD exomes 0.00299; ExAC 0.00308; 1000 Genomes Project 30x 0.00312; ESP Exome Variant Server 0.00394.
gnomAD v4.1: 4,951 of 1,614,146 alleles (0.31%); highest among the groups gnomAD compares: Middle Eastern, 0.7%; 16 homozygotes.

Submissions (5):

Blueprint Genetics
Classification: Likely benign. Last evaluated: 2024-11-21. Review status: criteria provided, single submitter. Criteria: ACMG Guidelines, 2015. Collection method: clinical testing. Allele origin: germline.

CeGaT Center for Human Genetics Tuebingen
Classification: Likely benign. Last evaluated: 2023-08-01. Review status: criteria provided, single submitter. Criteria: CeGaT Center For Human Genetics Tuebingen Variant Classification Criteria Version 2. Collection method: clinical testing. Allele origin: germline. Affected: yes. Observed: 3 variant alleles.
Comment: VWA3B: BP4, BS2

Labcorp Genetics (formerly Invitae), Labcorp
Classification: Benign. Last evaluated: 2019-12-31. Review status: criteria provided, single submitter. Criteria: Invitae Variant Classification Sherloc (09022015). Collection method: clinical testing. Allele origin: germline.

Breakthrough Genomics
Classification: Benign. Review status: criteria provided, single submitter. Criteria: ACMG Guidelines, 2015. Collection method: not provided. Allele origin: germline. Inheritance: Autosomal recessive inheritance. Affected: yes.

PreventionGenetics, part of Exact Sciences
Classification: Likely benign for VWA3B-related condition. Last evaluated: 2020-03-06. Review status: no assertion criteria provided. Collection method: clinical testing. Allele origin: germline. Not counted in ClinVar's aggregate classification.
Comment: This variant is classified as likely benign based on ACMG/AMP sequence variant interpretation guidelines (Richards et al. 2015 PMID: 25741868, with internal and published modifications).